The following is an entry in ClinVar:

NM_174936.4(PCSK9):c.436G>A (p.Asp146Asn)

Gene: PCSK9 (proprotein convertase subtilisin/kexin type 9; plus strand). Cytogenetic location: 1p32.3.
Variant type: single nucleotide variant.
Coding change: c.436G>A on transcript NM_174936.4 (MANE Select); coding-DNA position 436, G replaced by A.
Protein change: p.Asp146Asn; replaces aspartic acid 146 with asparagine.
Molecular consequence: missense variant.
Genome position (GRCh38, 1-based): chr1:55,046,559, G>A. VCF-style: chr1-55046559-G-A. GRCh37 (hg19) VCF-style: chr1-55512232-G-A.
Other names: c.559G>A, p.Asp187Asn (NM_001407240.1); c.436G>A, p.Asp146Asn (NM_001407241.1, NM_001407242.1, NM_001407244.1 and 1 more transcripts); c.244G>A, p.Asp82Asn (NM_001407245.1); c.61G>A, p.Asp21Asn (NM_001407246.1); short protein forms D21N, D187N, D82N, D146N.
Identifiers: ClinVar variation 2151070 (VCV002151070.8), dbSNP rs2523195553, ClinGen allele CA340484583.

ClinVar aggregate classification (germline): Uncertain significance. Review status: criteria provided, multiple submitters, no conflicts (2 of 4 stars). 4 submissions from 4 submitters: Uncertain significance (4). Last evaluated 2024-11-20.

Conditions:
Familial hypercholesterolemia. Also called: Familial hypercholesterolemias; Familial hypercholesterolaemia. Identifiers: MedGen C0020445, MONDO:0005439.
Hypercholesterolemia, autosomal dominant, 3 (FHCL3). Also called: PCSK9-Related Familial Hypercholesterolemia, Autosomal Dominant; Familial Hypercholesterolemia, Autosomal Dominant, 3; Familial hypercholesterolemia 3. Identifiers: MedGen C1863551, MONDO:0011369, OMIM 603776.
Cardiovascular phenotype. Identifiers: MedGen CN230736.

Allele frequency attached by ClinVar (database versions not stated): gnomAD exomes below 0.00001.
gnomAD v4.1: 1 of 1,614,146 alleles (0.000062%); highest among the groups gnomAD compares: Non-Finnish European, 0.000085%; no homozygotes.

Submissions (4):

GeneDx
Classification: Uncertain significance. Last evaluated: 2024-11-20. Review status: criteria provided, single submitter. Criteria: GeneDx Variant Classification Process June 2021. Collection method: clinical testing. Allele origin: germline. Affected: yes.
Comment: Not observed at significant frequency in large population cohorts (gnomAD); In silico analysis supports that this missense variant has a deleterious effect on protein structure/function; Has not been previously published as pathogenic or benign to our knowledge

Color Diagnostics, LLC DBA Color Health
Classification: Uncertain significance for Familial hypercholesterolemia. Last evaluated: 2024-08-19. Review status: criteria provided, single submitter. Criteria: ACMG Guidelines, 2015. Collection method: clinical testing. Allele origin: germline.
Comment: This missense variant replaces aspartic acid with asparagine at codon 146 of the PCSK9 protein. Computational prediction tools indicate that this variant's impact on protein structure and function is inconclusive. To our knowledge, functional studies have not been reported for this variant. This variant has not been reported in individuals affected with PCSK9-related disorders in the literature. This variant has not been identified in the general population by the Genome Aggregation Database (gnomAD). The available evidence is insufficient to determine the role of this variant in disease conclusively. Therefore, this variant is classified as a Variant of Uncertain Significance.

Ambry Genetics
Classification: Uncertain significance for Cardiovascular phenotype. Last evaluated: 2023-05-03. Review status: criteria provided, single submitter. Criteria: Ambry Variant Classification Scheme 2023. Collection method: clinical testing. Allele origin: germline.
Comment: The p.D146N variant (also known as c.436G>A), located in coding exon 3 of the PCSK9 gene, results from a G to A substitution at nucleotide position 436. The aspartic acid at codon 146 is replaced by asparagine, an amino acid with highly similar properties. This amino acid position is conserved. In addition, the in silico prediction for this alteration is inconclusive. Since supporting evidence is limited at this time, the clinical significance of this alteration remains unclear.

Labcorp Genetics (formerly Invitae), Labcorp
Classification: Uncertain significance for Hypercholesterolemia, autosomal dominant, 3. Last evaluated: 2022-01-26. Review status: criteria provided, single submitter. Criteria: Invitae Variant Classification Sherloc (09022015). Collection method: clinical testing. Allele origin: germline.
Comment: This sequence change replaces aspartic acid, which is acidic and polar, with asparagine, which is neutral and polar, at codon 146 of the PCSK9 protein (p.Asp146Asn). This variant is not present in population databases (gnomAD no frequency). This variant has not been reported in the literature in individuals affected with PCSK9-related conditions. Algorithms developed to predict the effect of missense changes on protein structure and function are either unavailable or do not agree on the potential impact of this missense change (SIFT: "Deleterious"; PolyPhen-2: "Probably Damaging"; Align-GVGD: "Class C0"). In summary, the available evidence is currently insufficient to determine the role of this variant in disease. Therefore, it has been classified as a Variant of Uncertain Significance.